The following is an entry in ClinVar:

NM_001035.3(RYR2):c.13328+3A>G

Gene: RYR2 (ryanodine receptor 2; plus strand). Cytogenetic location: 1q43.
Variant type: single nucleotide variant.
Coding change: c.13328+3A>G on transcript NM_001035.3 (MANE Select); 3 bases into the intron after coding-DNA position 13328, A replaced by G.
Molecular consequence: intron variant.
Genome position (GRCh38, 1-based): chr1:237,786,039, A>G. VCF-style: chr1-237786039-A-G. GRCh37 (hg19) VCF-style: chr1-237949339-A-G.
Identifiers: ClinVar variation 926436 (VCV000926436.11), dbSNP rs776115513, ClinGen allele CA085340.

ClinVar aggregate classification (germline): Uncertain significance. Review status: criteria provided, multiple submitters, no conflicts (2 of 4 stars). 5 submissions from 5 submitters: Uncertain significance (5). Last evaluated 2025-06-22.

Conditions:
Catecholaminergic polymorphic ventricular tachycardia (CVPT). Also called: Catecholamine-induced polymorphic ventricular tachycardia. Identifiers: Orphanet 3286, MedGen C5574922, MONDO:0017990.
Cardiomyopathy (CMYO). Also called: Cardiomyopathies. Identifiers: Orphanet 167848, MedGen C0878544, MONDO:0004994, HP:0001638. Inheritance: Various modes of inheritance.
Catecholaminergic polymorphic ventricular tachycardia 1. Also called: VENTRICULAR TACHYCARDIA, CATECHOLAMINERGIC POLYMORPHIC, 1, WITH OR WITHOUT ATRIAL DYSFUNCTION AND/OR DILATED CARDIOMYOPATHY; VENTRICULAR TACHYCARDIA, STRESS-INDUCED POLYMORPHIC 1; RYR2-Related Catecholaminergic Polymorphic Ventricular Tachycardia. Identifiers: Orphanet 3286, MedGen C1631597, MONDO:0011484, OMIM 604772.

Allele frequency attached by ClinVar (database versions not stated): gnomAD exomes 0.00001; ExAC 0.00002.
gnomAD v4.1: 8 of 1,565,284 alleles (0.00051%); highest among the groups gnomAD compares: Non-Finnish European, 0.00061%; no homozygotes.

Submissions (5):

Labcorp Genetics (formerly Invitae), Labcorp
Classification: Uncertain significance for Catecholaminergic polymorphic ventricular tachycardia 1. Last evaluated: 2025-06-22. Review status: criteria provided, single submitter. Criteria: Invitae Variant Classification Sherloc (09022015). Collection method: clinical testing. Allele origin: germline.
Comment: This sequence change falls in intron 91 of the RYR2 gene. It does not directly change the encoded amino acid sequence of the RYR2 protein. It affects a nucleotide within the consensus splice site. This variant is present in population databases (rs776115513, gnomAD 0.002%). This variant has been observed in individual(s) with sudden death (PMID: 33919104). ClinVar contains an entry for this variant (Variation ID: 926436). Variants that disrupt the consensus splice site are a relatively common cause of aberrant splicing (PMID: 17576681, 9536098). Algorithms developed to predict the effect of sequence changes on RNA splicing suggest that this variant may disrupt the consensus splice site. In summary, the available evidence is currently insufficient to determine the role of this variant in disease. Therefore, it has been classified as a Variant of Uncertain Significance.

All of Us Research Program, National Institutes of Health
Classification: Uncertain significance for Catecholaminergic polymorphic ventricular tachycardia. Last evaluated: 2024-08-06. Review status: criteria provided, single submitter. Criteria: ACMG Guidelines, 2015. Collection method: clinical testing. Allele origin: germline. Inheritance: Autosomal dominant inheritance. Observed: 1 variant allele, 1 heterozygote.
Comment: This study involves interpretation of variants in research participants for the purpose of population health screening. Participant phenotype was not available at the time of variant classification. Additional details can be found in publication PMID: 35346344, PMCID: PMC8962531

Laboratory for Molecular Medicine, Mass General Brigham Personalized Medicine
Classification: Uncertain significance. Last evaluated: 2019-04-17. Review status: criteria provided, single submitter. Criteria: LMM Criteria. Collection method: clinical testing. Allele origin: germline. Observed: 1 variant allele.
Comment: The c.13328+3A>G variant in RYR2 has not been previously reported in individuals with CPVT or ARVC but has been identified in 2/82156 European chromosomes by gnomAD. This variant is located in the 5' splice region. Computational tools predict a possible splicing impact, though this information is not predictive enough to determine pathogenicity. In summary, the clinical significance of the this variant is uncertain. ACMG/AMP Criteria applied: PM2, PP3.

Color Diagnostics, LLC DBA Color Health
Classification: Uncertain significance for Cardiomyopathy. Last evaluated: 2019-04-15. Review status: criteria provided, single submitter. Criteria: ACMG Guidelines, 2015. Collection method: clinical testing. Allele origin: germline.
Comment: This variant is located near the intron 91 splice donor site of the RYR2 gene. Computational splicing tools predict that this variant may have a significant impact on RNA splicing. To our knowledge, functional assays have not been performed for this variant nor has this variant been reported in individuals affected with cardiovascular disorders in the literature. This variant has been identified in 2/195046 chromosomes in the general population by the Genome Aggregation Database (gnomAD). Available evidence is insufficient to determine the role of this variant in disease conclusively. Therefore, this variant is classified as a Variant of Uncertain Significance.

Breakthrough Genomics
Classification: Uncertain significance. Review status: criteria provided, single submitter. Criteria: ACMG Guidelines, 2015. Collection method: not provided. Allele origin: germline. Inheritance: Autosomal dominant inheritance. Affected: yes.

Literature cited by the submitters: PubMed 33919104 (cited by Labcorp Genetics (formerly Invitae), Labcorp); PubMed 17576681 (cited by Labcorp Genetics (formerly Invitae), Labcorp); PubMed 9536098 (cited by Labcorp Genetics (formerly Invitae), Labcorp).